The following is an entry in ClinVar:

ClinVar aggregate classification (germline): Uncertain significance (1 of 4 stars; one submission).

Conditions:
WNT1-related disorder. Also called: WNT1-related condition.

gnomAD v4.1: 10 of 1,574,910 alleles (0.00063%); highest among the groups gnomAD compares: South Asian, 0.0092%; no homozygotes.

Submission:

PreventionGenetics, part of Exact Sciences
Classification: Uncertain significance for WNT1-related condition. Last evaluated: 2025-05-20. Review status: criteria provided, single submitter. Criteria: ACMG Guidelines, 2015. Collection method: clinical testing. Allele origin: germline.
Comment: The WNT1 c.850C>T variant is predicted to result in the amino acid substitution p.Pro284Ser. To our knowledge, this variant has not been reported in the literature. This variant is reported in 0.012% of alleles in individuals of South Asian descent in gnomAD. At this time, the clinical significance of this variant is uncertain due to the absence of conclusive functional and genetic evidence.

NM_005430.4(WNT1):c.850C>T (p.Pro284Ser)

Gene: WNT1 (Wnt family member 1; plus strand). Cytogenetic location: 12q13.12.
Variant type: single nucleotide variant.
Coding change: c.850C>T on transcript NM_005430.4 (MANE Select); coding-DNA position 850, C replaced by T.
Protein change: p.Pro284Ser; replaces proline 284 with serine.
Molecular consequence: missense variant.
Genome position (GRCh38, 1-based): chr12:48,981,377, C>T. VCF-style: chr12-48981377-C-T. GRCh37 (hg19) VCF-style: chr12-49375160-C-T.
Other names: short protein forms P284S.
Identifiers: ClinVar variation 4998025 (VCV004998025.1).